The following is an entry in ClinVar:

ClinVar aggregate classification (germline): Uncertain significance. Review status: criteria provided, multiple submitters, no conflicts (2 of 4 stars). 2 submissions from 2 submitters: Uncertain significance (2). Last evaluated 2025-06-11.

Conditions:
Inborn genetic diseases. Identifiers: MedGen C0950123, MeSH D030342.

gnomAD v4.1: 34 of 1,613,904 alleles (0.0021%); highest among the groups gnomAD compares: African/African-American, 0.004%; no homozygotes.

Submissions (2):

Labcorp Genetics (formerly Invitae), Labcorp
Classification: Uncertain significance. Last evaluated: 2025-06-11. Review status: criteria provided, single submitter. Criteria: Invitae Variant Classification Sherloc (09022015). Collection method: clinical testing. Allele origin: germline.
Comment: This sequence change replaces arginine, which is basic and polar, with histidine, which is basic and polar, at codon 266 of the THPO protein (p.Arg266His). This variant is present in population databases (rs373300042, gnomAD 0.004%). This variant has not been reported in the literature in individuals affected with THPO-related conditions. ClinVar contains an entry for this variant (Variation ID: 3456246). Invitae Evidence Modeling of protein sequence and biophysical properties (such as structural, functional, and spatial information, amino acid conservation, physicochemical variation, residue mobility, and thermodynamic stability) indicates that this missense variant is not expected to disrupt THPO protein function with a negative predictive value of 80%. In summary, the available evidence is currently insufficient to determine the role of this variant in disease. Therefore, it has been classified as a Variant of Uncertain Significance.

Ambry Genetics
Classification: Uncertain significance for Inborn genetic diseases. Last evaluated: 2024-11-13. Review status: criteria provided, single submitter. Criteria: Ambry Variant Classification Scheme 2023. Collection method: clinical testing. Allele origin: germline.

NM_000460.4(THPO):c.797G>A (p.Arg266His)

Gene: THPO (thrombopoietin; minus strand). Cytogenetic location: 3q27.1.
Variant type: single nucleotide variant.
Coding change: c.797G>A on transcript NM_000460.4 (MANE Select); coding-DNA position 797, G replaced by A.
Protein change: p.Arg266His; replaces arginine 266 with histidine.
Molecular consequence: missense variant. On other transcripts: synonymous variant (4).
Genome position (GRCh38, 1-based): chr3:184,372,778, C>T on the plus strand (G>A on the coding strand, the complement: THPO is on the minus strand). VCF-style: chr3-184372778-C-T. GRCh37 (hg19) VCF-style: chr3-184090566-C-T.
Other names: c.785G>A, p.Arg262His (NM_001177597.2, NM_001290022.1); c.780G>A, p.Thr260= (NM_001177598.2, NM_001290026.1); c.681G>A, p.Thr227= (NM_001289997.1, NM_001290027.1); c.797G>A, p.Arg266His (NM_001289998.1, NM_001290028.1); c.1217G>A, p.Arg406His (NM_001290003.1); short protein forms R262H, R266H, R406H.
Identifiers: ClinVar variation 3456246 (VCV003456246.2).